The following is an entry in ClinVar:

ClinVar aggregate classification (germline): Uncertain significance. Review status: criteria provided, multiple submitters, no conflicts (2 of 4 stars). 4 submissions from 4 submitters: Uncertain significance (4). Last evaluated 2024-01-16.

Conditions:
Hereditary cancer-predisposing syndrome. Also called: Hereditary neoplastic syndrome; Tumor predisposition; Neoplastic Syndromes, Hereditary; Hereditary Cancer Syndrome. Identifiers: Orphanet 140162, MedGen C0027672, MeSH D009386, MONDO:0015356.
Hereditary nonpolyposis colorectal neoplasms. Identifiers: MedGen C0009405, MeSH D003123.

Submissions (4):

Color Diagnostics, LLC DBA Color Health
Classification: Uncertain significance for Hereditary cancer-predisposing syndrome. Last evaluated: 2024-01-16. Review status: criteria provided, single submitter. Criteria: ACMG Guidelines, 2015. Collection method: clinical testing. Allele origin: germline.
Comment: This missense variant replaces asparagine with serine at codon 45 of the PMS2 protein. Computational prediction suggests that this variant may have deleterious impact on protein structure and function (internally defined REVEL score threshold >= 0.7, PMID: 27666373). To our knowledge, functional studies have not been reported for this variant. This variant has been reported in an individual affected with breast and colorectal cancer with a family history of multiple cancer types (DOI 10.1200/JCO.2020.38.15_suppl.e13532). It is also stated that two of their siblings affected with colorectal cancer also carried the variant. This variant has not been identified in the general population by the Genome Aggregation Database (gnomAD). The available evidence is insufficient to determine the role of this variant in disease conclusively. Therefore, this variant is classified as a Variant of Uncertain Significance.

Labcorp Genetics (formerly Invitae), Labcorp
Classification: Uncertain significance for Hereditary nonpolyposis colorectal neoplasms. Last evaluated: 2022-08-16. Review status: criteria provided, single submitter. Criteria: Invitae Variant Classification Sherloc (09022015). Collection method: clinical testing. Allele origin: germline.
Comment: In summary, the available evidence is currently insufficient to determine the role of this variant in disease. Therefore, it has been classified as a Variant of Uncertain Significance. Advanced modeling of protein sequence and biophysical properties (such as structural, functional, and spatial information, amino acid conservation, physicochemical variation, residue mobility, and thermodynamic stability) performed at Invitae indicates that this missense variant is expected to disrupt PMS2 protein function. ClinVar contains an entry for this variant (Variation ID: 956924). This variant has not been reported in the literature in individuals affected with PMS2-related conditions. This variant is not present in population databases (gnomAD no frequency). This sequence change replaces asparagine, which is neutral and polar, with serine, which is neutral and polar, at codon 45 of the PMS2 protein (p.Asn45Ser).

Mendelics
Classification: Uncertain significance. Last evaluated: 2022-05-04. Review status: criteria provided, single submitter. Criteria: Mendelics Assertion Criteria 2019. Collection method: clinical testing. Allele origin: germline.

Ambry Genetics
Classification: Uncertain significance for Hereditary cancer-predisposing syndrome. Last evaluated: 2020-05-15. Review status: criteria provided, single submitter. Criteria: Ambry Variant Classification Scheme 2023. Collection method: clinical testing. Allele origin: germline.
Comment: The p.N45S variant (also known as c.134A>G), located in coding exon 2 of the PMS2 gene, results from an A to G substitution at nucleotide position 134. The asparagine at codon 45 is replaced by serine, an amino acid with highly similar properties. Another alteration at this same codon (p.A45T/c.134A>C) has been reported in the compound heterozygous state with a second PMS2 mutation in a patient with constitutional mismatch repair deficiency (CMMRD) (Lech B et al. Allergol Immunopathol (Madr);15:121-6). This amino acid position is highly conserved in available vertebrate species. In addition, this alteration is predicted to be deleterious by in silico analysis. Since supporting evidence is limited at this time, the clinical significance of this alteration remains unclear.

Literature cited by the submitters: PubMed 2444087 (cited by Ambry Genetics).

NM_000535.7(PMS2):c.134A>G (p.Asn45Ser)

Gene: PMS2 (PMS1 homolog 2, mismatch repair system component; minus strand). Cytogenetic location: 7p22.1.
Variant type: single nucleotide variant.
Coding change: c.134A>G on transcript NM_000535.7 (MANE Select); coding-DNA position 134, A replaced by G.
Protein change: p.Asn45Ser; replaces asparagine 45 with serine.
Molecular consequence: missense variant. On other transcripts: 5 prime UTR variant (8), non-coding transcript variant (1), intron variant (3).
Genome position (GRCh38, 1-based): chr7:6,005,921, T>C on the plus strand (A>G on the coding strand, the complement: PMS2 is on the minus strand). VCF-style: chr7-6005921-T-C. GRCh37 (hg19) VCF-style: chr7-6045552-T-C.
Other names: c.-272A>G (NM_001322003.2, NM_001322005.2, NM_001322009.2 and 1 more transcripts); c.134A>G, p.Asn45Ser (NM_001322006.2, NM_001322014.2); c.-82A>G (NM_001322007.2); c.-751A>G (NM_001322011.2, NM_001322012.2); c.-351A>G (NM_001322015.2); c.-52-1863A>G (NM_001322008.2); c.-242-1863A>G (NM_001322010.2, NM_001322004.2); short protein forms N45S.
Identifiers: ClinVar variation 956924 (VCV000956924.14), dbSNP rs1554306353, ClinGen allele CA366744998.
Genomic context (GRCh38, chr7:6,005,921, plus strand): 5'-TTCTTGTGGCTTAAAACTCTCCCAAACTTACCAATATTAGTGGCACCAGCATCCAGACTG[T>C]TTTCTACTAACTCCTTTACCGCAGTGCTTAGACTCAGTACCACCTGCCCAGAGCAAATCT-3'
Protein context (NP_000526.2, residues 35-55): LSTAVKELVE[Asn45Ser]SLDAGATNID